The following is an entry in ClinVar:

ClinVar aggregate classification (germline): Uncertain significance (1 of 4 stars; one submission).

Conditions:
MHC class I deficiency. Identifiers: Orphanet 34592, MedGen C6024714, MONDO:0011476.

gnomAD v4.1: 1 of 1,614,098 alleles (0.000062%); no homozygotes.

Submission:

Labcorp Genetics (formerly Invitae), Labcorp
Classification: Uncertain significance for MHC class I deficiency 1. Last evaluated: 2023-10-13. Review status: criteria provided, single submitter. Criteria: Invitae Variant Classification Sherloc (09022015). Collection method: clinical testing. Allele origin: germline.
Comment: This sequence change replaces threonine, which is neutral and polar, with isoleucine, which is neutral and non-polar, at codon 673 of the TAP1 protein (p.Thr673Ile). This variant is not present in population databases (gnomAD no frequency). This variant has not been reported in the literature in individuals affected with TAP1-related conditions. ClinVar contains an entry for this variant (Variation ID: 843581). Algorithms developed to predict the effect of missense changes on protein structure and function output the following: SIFT: "Not Available"; PolyPhen-2: "Benign"; Align-GVGD: "Not Available". The isoleucine amino acid residue is found in multiple mammalian species, which suggests that this missense change does not adversely affect protein function. In summary, the available evidence is currently insufficient to determine the role of this variant in disease. Therefore, it has been classified as a Variant of Uncertain Significance.

NM_000593.6(TAP1):c.1838C>T (p.Thr613Ile)

Gene: TAP1 (transporter 1, ATP binding cassette subfamily B member; minus strand). Cytogenetic location: 6p21.32.
Variant type: single nucleotide variant.
Coding change: c.1838C>T on transcript NM_000593.6 (MANE Select); coding-DNA position 1838, C replaced by T.
Protein change: p.Thr613Ile; replaces threonine 613 with isoleucine.
Molecular consequence: missense variant.
Genome position (GRCh38, 1-based): chr6:32,847,578, G>A on the plus strand (C>T on the coding strand, the complement: TAP1 is on the minus strand). VCF-style: chr6-32847578-G-A. GRCh37 (hg19) VCF-style: chr6-32815355-G-A.
Other names: c.1235C>T, p.Thr412Ile (NM_001292022.2); short protein forms T412I, T673I, T613I.
Identifiers: ClinVar variation 843581 (VCV000843581.9), dbSNP rs1770512743, ClinGen allele CA363591110.